The following is an entry in ClinVar:

NM_000051.4(ATM):c.8464G>A (p.Asp2822Asn)

Genes: ATM (ATM serine/threonine kinase; plus strand), C11orf65 (chromosome 11 open reading frame 65; minus strand). Cytogenetic location: 11q22.3.
Variant type: single nucleotide variant.
Coding change: c.8464G>A on transcript NM_000051.4 (MANE Select); coding-DNA position 8464, G replaced by A.
Protein change: p.Asp2822Asn; replaces aspartic acid 2822 with asparagine.
Molecular consequence: missense variant. On other transcripts: intron variant (2).
Genome position (GRCh38, 1-based): chr11:108,345,788, G>A. VCF-style: chr11-108345788-G-A. GRCh37 (hg19) VCF-style: chr11-108216515-G-A.
Other names: c.8464G>A, p.Asp2822Asn (NM_001351834.2); c.641-36717C>T (NM_001330368.2); c.695-10496C>T (NM_001351110.2); short protein forms D2822N.
Identifiers: ClinVar variation 1024357 (VCV001024357.9), dbSNP rs2088274235, ClinGen allele CA382517956.

ClinVar aggregate classification (germline): Uncertain significance (1 of 4 stars; one submission).

Conditions:
Ataxia-telangiectasia syndrome (AT). Also called: Ataxia telangiectasia (A-T); ATAXIA-TELANGIECTASIA, COMPLEMENTATION GROUP A; ATAXIA-TELANGIECTASIA, FRESNO VARIANT; Ataxia-telangiectasia; Ataxia-telangiectasia, complementation group E; LOUIS-BAR SYNDROME. Identifiers: Orphanet 100, MedGen C0004135, MONDO:0008840, OMIM 208900.

Submission:

Labcorp Genetics (formerly Invitae), Labcorp
Classification: Uncertain significance for Ataxia-telangiectasia syndrome. Last evaluated: 2021-04-26. Review status: criteria provided, single submitter. Criteria: Invitae Variant Classification Sherloc (09022015). Collection method: clinical testing. Allele origin: germline.
Comment: In summary, the available evidence is currently insufficient to determine the role of this variant in disease. Therefore, it has been classified as a Variant of Uncertain Significance. Algorithms developed to predict the effect of missense changes on protein structure and function output the following: SIFT: "Tolerated"; PolyPhen-2: "Benign"; Align-GVGD: "Class C0". The asparagine amino acid residue is found in multiple mammalian species, suggesting that this missense change does not adversely affect protein function. These predictions have not been confirmed by published functional studies and their clinical significance is uncertain. This variant has not been reported in the literature in individuals with ATM-related conditions. This variant is not present in population databases (ExAC no frequency). This sequence change replaces aspartic acid with asparagine at codon 2822 of the ATM protein (p.Asp2822Asn). The aspartic acid residue is weakly conserved and there is a small physicochemical difference between aspartic acid and asparagine.